The following is an entry in ClinVar:

NM_001040694.2(INCENP):c.405C>T (p.Thr135=)

Gene: INCENP (inner centromere protein; plus strand). Cytogenetic location: 11q12.3.
Variant type: single nucleotide variant.
Coding change: c.405C>T on transcript NM_001040694.2 (MANE Select); coding-DNA position 405, C replaced by T.
Protein change: p.Thr135=; no amino-acid change (threonine 135 retained).
Molecular consequence: synonymous variant.
Genome position (GRCh38, 1-based): chr11:62,129,932, C>T. VCF-style: chr11-62129932-C-T. GRCh37 (hg19) VCF-style: chr11-61897404-C-T.
Other names: c.405C>T, p.Thr135= (NM_020238.3).
Identifiers: ClinVar variation 774693 (VCV000774693.28), dbSNP rs112218336, ClinGen allele CA6041549.

ClinVar aggregate classification (germline): Benign. Review status: criteria provided, multiple submitters, no conflicts (2 of 4 stars). 3 submissions from 3 submitters: Benign (3). Last evaluated 2023-10-01.

Allele frequency attached by ClinVar (database versions not stated): 1000 Genomes Project 30x 0.00468; 1000 Genomes Project 0.00499; ExAC 0.00853; gnomAD exomes 0.00886 and 0.01140; gnomAD 0.00951 and 0.00983; TOPMed 0.00973; ESP Exome Variant Server 0.01085.
gnomAD v4.1: 18,112 of 1,614,044 alleles (1.1%); highest among the groups gnomAD compares: Non-Finnish European, 1.3%; 142 homozygotes.

Submissions (3):

CeGaT Center for Human Genetics Tuebingen
Classification: Benign. Last evaluated: 2023-10-01. Review status: criteria provided, single submitter. Criteria: CeGaT Center For Human Genetics Tuebingen Variant Classification Criteria Version 2. Collection method: clinical testing. Allele origin: germline. Affected: yes. Observed: 1 variant allele.
Comment: INCENP: BP4, BP7, BS1, BS2

Labcorp Genetics (formerly Invitae), Labcorp
Classification: Benign. Last evaluated: 2017-07-24. Review status: criteria provided, single submitter. Criteria: Invitae Variant Classification Sherloc (09022015). Collection method: clinical testing. Allele origin: germline.

Breakthrough Genomics
Classification: Benign. Review status: criteria provided, single submitter. Criteria: ACMG Guidelines, 2015. Collection method: not provided. Allele origin: germline. Inheritance: Unknown mechanism. Affected: yes.